The following is an entry in ClinVar:

NM_016341.4(PLCE1):c.4809del (p.Asp1604fs)

Genes: PLCE1-AS1 (PLCE1 antisense RNA 1; minus strand), PLCE1 (phospholipase C epsilon 1; plus strand). Cytogenetic location: 10q23.33.
Variant type: Deletion.
Coding change: c.4809del on transcript NM_016341.4 (MANE Select); coding-DNA position 4809, one base deleted (A; older notation c.4809delA).
Protein change: p.Asp1604fs; shifts the reading frame from aspartic acid 1604.
Molecular consequence: frameshift variant.
Genome position (GRCh38, 1-based): chr10:94,283,803, A deleted; the last of 2 consecutive A bases (chr10:94,283,802-94,283,803); deleting either gives the same sequence. VCF-style (leftmost placement, unchanged base first): chr10-94283801-GA-G. GRCh37 (hg19) VCF-style: chr10-96043558-GA-G.
Other names: c.3885del, p.Asp1296fs (NM_001165979.2); c.4761del, p.Asp1588fs (NM_001288989.2); short protein forms D1296fs, D1588fs, D1604fs.
Identifiers: ClinVar variation 2117035 (VCV002117035.4), dbSNP rs777787687, ClinGen allele CA5613235.

ClinVar aggregate classification (germline): Pathogenic (1 of 4 stars; one submission).

Submission:

Labcorp Genetics (formerly Invitae), Labcorp
Classification: Pathogenic. Last evaluated: 2024-06-03. Review status: criteria provided, single submitter. Criteria: Invitae Variant Classification Sherloc (09022015). Collection method: clinical testing. Allele origin: germline.
Comment: This sequence change creates a premature translational stop signal (p.Asp1604Thrfs*24) in the PLCE1 gene. It is expected to result in an absent or disrupted protein product. Loss-of-function variants in PLCE1 are known to be pathogenic (PMID: 17086182, 20591883). This variant is present in population databases (rs777787687, gnomAD 0.003%). This variant has not been reported in the literature in individuals affected with PLCE1-related conditions. ClinVar contains an entry for this variant (Variation ID: 2117035). For these reasons, this variant has been classified as Pathogenic.

Literature cited by the submitters: PubMed 17086182; PubMed 20591883.